The following is an entry in ClinVar:

ClinVar aggregate classification (germline): Pathogenic (0 of 4 stars; one submission).

Conditions:
Steinert myotonic dystrophy syndrome (DM1). Also called: STEINERT DISEASE; Myotonic dystrophy type 1; Dystrophia myotonica type 1; Steinert myotonic dystrophy; Steinert's disease. Identifiers: Orphanet 273, MedGen C3250443, MONDO:0008056, OMIM 160900.

Submission:

Institute of Molecular, Cell and Systems Biology, University of Glasgow
Classification: Pathogenic for Steinert myotonic dystrophy syndrome. Review status: no assertion criteria provided. Criteria: research. Collection method: research. Allele origin: germline. Inheritance: Autosomal dominant inheritance. Affected: yes. Observed: 1 heterozygote.
Comment: DMPK CTG repeat expansions greater than approximately 45-50 repeats are assumed to be pathogenic

This record is based on data published in PubMed 25052313, which reports only ClinVar accessions SCV000120188 and SCV000120189. The complete data set includes SCV000207445 - SCV000207579.

Literature cited by the submitters: PubMed 1346923; PubMed 1546326; PubMed 25052313.

NM_004409.5(DMPK):c.*224CTG[303]

Genes: DM1-AS (DM1 locus antisense RNA; plus strand), DMPK (DM1 protein kinase; minus strand), LOC107075317 (origin of replication in DMPK trinucleotide repeat region; plus strand), LOC109461477 (dystrophia myotonica protein kinase repeat instability region; plus strand). Cytogenetic location: 19q13.32.
Variant type: Microsatellite.
Coding change: c.*224CTG[303] on transcript NM_004409.5 (MANE Select); 303 copies in a row of the 3-base unit CTG starting at c.*224.
Molecular consequence: 3 prime UTR variant.
Genome position: GRCh38, VCF-style position (the base before the change): chr19:45,770,204. GRCh37 (hg19), VCF-style position (the base before the change): chr19:46,273,462.
Other names: DM1 CTG repeat expansion; c.*224CTG[303] (NM_001081560.3, NM_001288764.2, NM_001424165.1 and 1 more transcripts); c.*217CTG[303] (NM_001081562.3, NM_001288765.2, NM_001424162.1 and 2 more transcripts); c.*222_*224TGC[303] (NM_001081563.3); c.*369CTG[303] (NM_001288766.2, NM_001424164.1, NM_001424168.1).
Identifiers: ClinVar variation 187954 (VCV000187954.1), ClinGen allele CA915951756.